The following is an entry in ClinVar:

ClinVar aggregate classification (germline): Uncertain significance (1 of 4 stars; one submission).

Allele frequency attached by ClinVar (database versions not stated): gnomAD 0.00001; TOPMed below 0.00001.

Submission:

Labcorp Genetics (formerly Invitae), Labcorp
Classification: Uncertain significance. Last evaluated: 2025-07-10. Review status: criteria provided, single submitter. Criteria: Invitae Variant Classification Sherloc (09022015). Collection method: clinical testing. Allele origin: germline.
Comment: This sequence change replaces alanine, which is neutral and non-polar, with threonine, which is neutral and polar, at codon 310 of the COL18A1 protein (p.Ala310Thr). This variant is not present in population databases (gnomAD no frequency). This variant has not been reported in the literature in individuals affected with COL18A1-related conditions. ClinVar contains an entry for this variant (Variation ID: 2055373). Experimental studies and prediction algorithms are not available or were not evaluated, and the functional significance of this variant is currently unknown. In summary, the available evidence is currently insufficient to determine the role of this variant in disease. Therefore, it has been classified as a Variant of Uncertain Significance.

NM_001379500.1(COL18A1):c.928G>A (p.Ala310Thr)

Gene: COL18A1 (collagen type XVIII alpha 1 chain; plus strand). Cytogenetic location: 21q22.3.
Variant type: single nucleotide variant.
Coding change: c.928G>A on transcript NM_001379500.1 (MANE Select); coding-DNA position 928, G replaced by A.
Protein change: p.Ala310Thr; replaces alanine 310 with threonine.
Molecular consequence: missense variant.
Genome position (GRCh38, 1-based): chr21:45,476,480, G>A. VCF-style: chr21-45476480-G-A. GRCh37 (hg19) VCF-style: chr21-46896394-G-A.
Other names: c.1468G>A, p.Ala490Thr (NM_030582.4); c.2173G>A, p.Ala725Thr (NM_130444.3); short protein forms A310T, A490T, A725T.
Identifiers: ClinVar variation 2055373 (VCV002055373.4), dbSNP rs1384375251, ClinGen allele CA410514654.